The following is an entry in ClinVar:

NM_017415.3(KLHL3):c.496G>A (p.Asp166Asn)

Gene: KLHL3 (kelch like family member 3; minus strand). Cytogenetic location: 5q31.2.
Variant type: single nucleotide variant.
Coding change: c.496G>A on transcript NM_017415.3 (MANE Select); coding-DNA position 496, G replaced by A.
Protein change: p.Asp166Asn; replaces aspartic acid 166 with asparagine.
Molecular consequence: missense variant.
Genome position (GRCh38, 1-based): chr5:137,692,315, C>T on the plus strand (G>A on the coding strand, the complement: KLHL3 is on the minus strand). VCF-style: chr5-137692315-C-T. GRCh37 (hg19) VCF-style: chr5-137028004-C-T.
Other names: c.496G>A (NM_017415.2); c.400G>A, p.Asp134Asn (NM_001257194.1); c.250G>A, p.Asp84Asn (NM_001257195.2); short protein forms D134N, D166N, D84N.
Identifiers: ClinVar variation 2183832 (VCV002183832.5), dbSNP rs375739460, ClinGen allele CA3422488.

ClinVar aggregate classification (germline): Uncertain significance. Review status: criteria provided, multiple submitters, no conflicts (2 of 4 stars). 2 submissions from 2 submitters: Uncertain significance (2). Last evaluated 2022-09-06.

Conditions:
Inborn genetic diseases. Identifiers: MedGen C0950123, MeSH D030342.

Allele frequency attached by ClinVar (database versions not stated): gnomAD 0.00001; TOPMed 0.00001; ExAC 0.00002; gnomAD exomes 0.00002; ESP Exome Variant Server 0.00008.
gnomAD v4.1: 32 of 1,613,030 alleles (0.002%); highest among the groups gnomAD compares: Non-Finnish European, 0.0026%; no homozygotes.

Submissions (2):

Ambry Genetics
Classification: Uncertain significance for Inborn genetic diseases. Last evaluated: 2022-09-06. Review status: criteria provided, single submitter. Criteria: Ambry Variant Classification Scheme 2023. Collection method: clinical testing. Allele origin: germline.

Labcorp Genetics (formerly Invitae), Labcorp
Classification: Uncertain significance. Last evaluated: 2022-08-28. Review status: criteria provided, single submitter. Criteria: Invitae Variant Classification Sherloc (09022015). Collection method: clinical testing. Allele origin: germline.
Comment: In summary, the available evidence is currently insufficient to determine the role of this variant in disease. Therefore, it has been classified as a Variant of Uncertain Significance. Algorithms developed to predict the effect of missense changes on protein structure and function are either unavailable or do not agree on the potential impact of this missense change (SIFT: "Tolerated"; PolyPhen-2: "Possibly Damaging"; Align-GVGD: "Class C0"). This variant has not been reported in the literature in individuals affected with KLHL3-related conditions. This variant is present in population databases (rs375739460, gnomAD 0.002%). This sequence change replaces aspartic acid, which is acidic and polar, with asparagine, which is neutral and polar, at codon 166 of the KLHL3 protein (p.Asp166Asn).